The following is an entry in ClinVar:

NM_020928.2(ZSWIM6):c.1644C>A (p.Asp548Glu)

Gene: ZSWIM6 (zinc finger SWIM-type containing 6; plus strand). Cytogenetic location: 5q12.1.
Variant type: single nucleotide variant.
Coding change: c.1644C>A on transcript NM_020928.2 (MANE Select); coding-DNA position 1644, C replaced by A.
Protein change: p.Asp548Glu; replaces aspartic acid 548 with glutamic acid.
Molecular consequence: missense variant.
Genome position (GRCh38, 1-based): chr5:61,525,930, C>A. VCF-style: chr5-61525930-C-A. GRCh37 (hg19) VCF-style: chr5-60821757-C-A.
Other names: short protein forms D548E.
Identifiers: ClinVar variation 4766176 (VCV004766176.1).

ClinVar aggregate classification (germline): Uncertain significance (1 of 4 stars; one submission).

Submission:

Labcorp Genetics (formerly Invitae), Labcorp
Classification: Uncertain significance. Last evaluated: 2025-05-11. Review status: criteria provided, single submitter. Criteria: Invitae Variant Classification Sherloc (09022015). Collection method: clinical testing. Allele origin: germline.
Comment: This sequence change replaces aspartic acid, which is acidic and polar, with glutamic acid, which is acidic and polar, at codon 548 of the ZSWIM6 protein (p.Asp548Glu). This variant is not present in population databases (gnomAD no frequency). This variant has not been reported in the literature in individuals affected with ZSWIM6-related conditions. An algorithm developed to predict the effect of missense changes on protein structure and function (PolyPhen-2) suggests that this variant is likely to be tolerated. In summary, the available evidence is currently insufficient to determine the role of this variant in disease. Therefore, it has been classified as a Variant of Uncertain Significance.